The following is an entry in ClinVar:

NM_006876.3(B4GAT1):c.553G>A (p.Val185Ile)

Gene: B4GAT1 (beta-1,4-glucuronyltransferase 1; minus strand). Cytogenetic location: 11q13.2.
Variant type: single nucleotide variant.
Coding change: c.553G>A on transcript NM_006876.3 (MANE Select); coding-DNA position 553, G replaced by A.
Protein change: p.Val185Ile; replaces valine 185 with isoleucine.
Molecular consequence: missense variant.
Genome position (GRCh38, 1-based): chr11:66,346,993, C>T on the plus strand (G>A on the coding strand, the complement: B4GAT1 is on the minus strand). VCF-style: chr11-66346993-C-T. GRCh37 (hg19) VCF-style: chr11-66114464-C-T.
Other names: c.553G>A (NM_006876.2); short protein forms V185I.
Identifiers: ClinVar variation 1430919 (VCV001430919.7), dbSNP rs1855227445, ClinGen allele CA381418154.

ClinVar aggregate classification (germline): Uncertain significance. Review status: criteria provided, multiple submitters, no conflicts (2 of 4 stars). 2 submissions from 2 submitters: Uncertain significance (2). Last evaluated 2025-03-31.

Conditions:
Inborn genetic diseases. Identifiers: MedGen C0950123, MeSH D030342.
Muscular dystrophy-dystroglycanopathy (congenital with brain and eye anomalies), type A13. Also called: WALKER-WARBURG SYNDROME OR MUSCLE-EYE-BRAIN DISEASE, B3GNT1-RELATED; Muscular dystrophy-dystroglycanopathy (congenital with brain and eye anomalies), type a, 13. Identifiers: Orphanet 899, MedGen C3809042, MONDO:0014120, OMIM 615287.

Allele frequency attached by ClinVar (database versions not stated): TOPMed below 0.00001.

Submissions (2):

Ambry Genetics
Classification: Uncertain significance for Inborn genetic diseases. Last evaluated: 2025-03-31. Review status: criteria provided, single submitter. Criteria: Ambry Variant Classification Scheme 2023. Collection method: clinical testing. Allele origin: germline.

Labcorp Genetics (formerly Invitae), Labcorp
Classification: Uncertain significance for Muscular dystrophy-dystroglycanopathy (congenital with brain and eye anomalies), type A13. Last evaluated: 2022-09-27. Review status: criteria provided, single submitter. Criteria: Invitae Variant Classification Sherloc (09022015). Collection method: clinical testing. Allele origin: germline.
Comment: In summary, the available evidence is currently insufficient to determine the role of this variant in disease. Therefore, it has been classified as a Variant of Uncertain Significance. Algorithms developed to predict the effect of missense changes on protein structure and function (SIFT, PolyPhen-2, Align-GVGD) all suggest that this variant is likely to be tolerated. ClinVar contains an entry for this variant (Variation ID: 1430919). This variant has not been reported in the literature in individuals affected with B4GAT1-related conditions. This variant is not present in population databases (gnomAD no frequency). This sequence change replaces valine, which is neutral and non-polar, with isoleucine, which is neutral and non-polar, at codon 185 of the B4GAT1 protein (p.Val185Ile).